The following is an entry in ClinVar:

NM_001282874.2(SMARCA1):c.3103_3106del (p.Arg1035fs)

Gene: SMARCA1 (SNF2 related chromatin remodeling ATPase 1; minus strand). Cytogenetic location: Xq25.
Variant type: Microsatellite.
Coding change: c.3103_3106del on transcript NM_001282874.2 (MANE Select); coding-DNA positions 3103 to 3106, 4 bases deleted (AGAG; older notation c.3103_3106delAGAG).
Protein change: p.Arg1035fs; shifts the reading frame from arginine 1035.
Molecular consequence: frameshift variant.
Genome position (GRCh38, 1-based): chrX:129,448,368-129,448,371, CTCT deleted on the plus strand (AGAG on the coding strand, the reverse complement: SMARCA1 is on the minus strand); deleting any 4 consecutive bases within chrX:129,448,368-129,448,377 gives the same sequence; the c. name uses the placement nearest the transcript's 3' end. VCF-style (leftmost placement, unchanged base first): chrX-129448367-GCTCT-G. GRCh37 (hg19) VCF-style: chrX-128582344-GCTCT-G.
Other names: c.3067_3070del, p.Arg1023fs (NM_001282875.2, NM_001378262.1, NM_001378263.1 and 1 more transcripts); c.3103_3106del, p.Arg1035fs (NM_001378261.1, NM_003069.5); short protein forms R1023fs, R1035fs.
Identifiers: ClinVar variation 3901136 (VCV003901136.1).

ClinVar aggregate classification (germline): Uncertain significance (1 of 4 stars; one submission).

Conditions:
Neurodevelopmental disorder. Identifiers: MedGen C1535926, MeSH D065886, MONDO:0700092.

Submission:

Developmental Brain Disorders Lab, Seattle Children's Hospital
Classification: Uncertain significance for Neurodevelopmental disorder. Last evaluated: 2025-05-01. Review status: criteria provided, single submitter. Criteria: ACMG Guidelines, 2015. Collection method: research. Allele origin: maternal. Affected: yes.
Comment: This is a frameshift variant that is absent in gnomAD v4.1.0. It meets ACMG variant classification criteria (PM2) (PMID:25741868)